The following is an entry in ClinVar:

ClinVar aggregate classification (germline): Uncertain significance. Review status: criteria provided, multiple submitters, no conflicts (2 of 4 stars). 2 submissions from 2 submitters: Uncertain significance (2). Last evaluated 2024-06-03.

Conditions:
Fanconi anemia (FA). Also called: Fanconi's anemia. Identifiers: Orphanet 84, MedGen C0015625, MeSH D005199, MONDO:0019391.
Fanconi anemia complementation group P. Also called: SLX4-Related Fanconi Anemia. Identifiers: Orphanet 84, MedGen C3469542, MONDO:0013499, OMIM 613951.

Allele frequency attached by ClinVar (database versions not stated): gnomAD 0.00001; gnomAD exomes 0.00001; ExAC 0.00002.
gnomAD v4.1: 7 of 1,614,092 alleles (0.00043%); highest among the groups gnomAD compares: Admixed American, 0.012%; no homozygotes.

Submissions (2):

Fulgent Genetics
Classification: Uncertain significance for Fanconi anemia complementation group P. Last evaluated: 2024-06-03. Review status: criteria provided, single submitter. Criteria: ACMG Guidelines, 2015. Collection method: clinical testing. Allele origin: germline.

Labcorp Genetics (formerly Invitae), Labcorp
Classification: Uncertain significance for Fanconi anemia. Last evaluated: 2022-11-15. Review status: criteria provided, single submitter. Criteria: Invitae Variant Classification Sherloc (09022015). Collection method: clinical testing. Allele origin: germline.
Comment: In summary, the available evidence is currently insufficient to determine the role of this variant in disease. Therefore, it has been classified as a Variant of Uncertain Significance. Algorithms developed to predict the effect of missense changes on protein structure and function are either unavailable or do not agree on the potential impact of this missense change (SIFT: "Tolerated"; PolyPhen-2: "Probably Damaging"; Align-GVGD: "Class C0"). This variant has not been reported in the literature in individuals affected with SLX4-related conditions. This variant is present in population databases (rs751940082, gnomAD 0.02%). This sequence change replaces lysine, which is basic and polar, with glutamic acid, which is acidic and polar, at codon 68 of the SLX4 protein (p.Lys68Glu).

NM_032444.4(SLX4):c.202A>G (p.Lys68Glu)

Gene: SLX4 (SLX4 structure-specific endonuclease subunit; minus strand). Cytogenetic location: 16p13.3.
Variant type: single nucleotide variant.
Coding change: c.202A>G on transcript NM_032444.4 (MANE Select); coding-DNA position 202, A replaced by G.
Protein change: p.Lys68Glu; replaces lysine 68 with glutamic acid.
Molecular consequence: missense variant.
Genome position (GRCh38, 1-based): chr16:3,608,763, T>C on the plus strand (A>G on the coding strand, the complement: SLX4 is on the minus strand). VCF-style: chr16-3608763-T-C. GRCh37 (hg19) VCF-style: chr16-3658764-T-C.
Other names: short protein forms K68E.
Identifiers: ClinVar variation 2079670 (VCV002079670.5), dbSNP rs751940082, ClinGen allele CA7866927.